The following is an entry in ClinVar:

NM_001854.4(COL11A1):c.1138G>A (p.Glu380Lys)

Gene: COL11A1 (collagen type XI alpha 1 chain; minus strand). Cytogenetic location: 1p21.1.
Variant type: single nucleotide variant.
Coding change: c.1138G>A on transcript NM_001854.4 (MANE Select); coding-DNA position 1138, G replaced by A.
Protein change: p.Glu380Lys; replaces glutamic acid 380 with lysine.
Molecular consequence: missense variant. On other transcripts: non-coding transcript variant (1), intron variant (1).
Genome position (GRCh38, 1-based): chr1:103,022,849, C>T on the plus strand (G>A on the coding strand, the complement: COL11A1 is on the minus strand). VCF-style: chr1-103022849-C-T. GRCh37 (hg19) VCF-style: chr1-103488405-C-T.
Other names: c.1021G>A, p.Glu341Lys (NM_001190709.2); c.1174G>A, p.Glu392Lys (NM_080629.3); c.898-1080G>A (NM_080630.4); short protein forms E341K, E380K, E392K.
Identifiers: ClinVar variation 1084797 (VCV001084797.21), dbSNP rs372387693, ClinGen allele CA975110.

ClinVar aggregate classification (germline): Conflicting classifications of pathogenicity. Review status: criteria provided, conflicting classifications (1 of 4 stars). 4 submissions from 4 submitters: Uncertain significance (3); Likely benign (1). Last evaluated 2026-10-15.

Conditions:
COL11A1-related disorder. Also called: COL11A1-related disorders; COL11A1-related condition.

Allele frequency attached by ClinVar (database versions not stated): ESP Exome Variant Server 0.00015; gnomAD 0.00007; gnomAD exomes 0.00012 and 0.00013; TOPMed 0.00009; ExAC 0.00015.
gnomAD v4.1: 186 of 1,613,698 alleles (0.012%); highest among the groups gnomAD compares: Admixed American, 0.038%; no homozygotes.

Submissions (4):

GeneDx
Classification: Uncertain significance. Last evaluated: 2026-10-15. Review status: criteria provided, single submitter. Criteria: GeneDx Variant Classification Process June 2021. Collection method: clinical testing. Allele origin: germline.
Comment: In silico analysis indicates that this missense variant does not alter protein structure/function; Not located in the triple helical region, where the majority of pathogenic missense variants occur (HGMD; PMID: 25240749); Has not been previously published as pathogenic or benign to our knowledge; This variant is associated with the following publications: (PMID: 25240749)

PreventionGenetics, part of Exact Sciences
Classification: Uncertain significance for COL11A1-related condition. Last evaluated: 2026-02-20. Review status: criteria provided, single submitter. Criteria: ACMG Guidelines, 2015. Collection method: clinical testing. Allele origin: germline.
Comment: The COL11A1 c.1138G>A variant is predicted to result in the amino acid substitution p.Glu380Lys. To our knowledge, this variant has not been reported in the literature. This variant is reported in 0.062% of alleles in individuals of Latino descent in gnomAD. Although we suspect that this variant may be benign, at this time, the clinical significance of this variant is uncertain due to the absence of conclusive functional and genetic evidence.

Labcorp Genetics (formerly Invitae), Labcorp
Classification: Likely benign. Last evaluated: 2025-12-01. Review status: criteria provided, single submitter. Criteria: Invitae Variant Classification Sherloc (09022015). Collection method: clinical testing. Allele origin: germline.

Blueprint Genetics
Classification: Uncertain significance. Last evaluated: 2023-10-26. Review status: criteria provided, single submitter. Criteria: ACMG Guidelines, 2015. Collection method: clinical testing. Allele origin: germline.